The following is an entry in ClinVar:

NM_005334.3(HCFC1):c.2860G>A (p.Val954Met)

Gene: HCFC1 (host cell factor C1; minus strand). Cytogenetic location: Xq28.
Variant type: single nucleotide variant.
Coding change: c.2860G>A on transcript NM_005334.3 (MANE Select); coding-DNA position 2860, G replaced by A.
Protein change: p.Val954Met; replaces valine 954 with methionine.
Molecular consequence: missense variant.
Genome position (GRCh38, 1-based): chrX:153,955,539, C>T on the plus strand (G>A on the coding strand, the complement: HCFC1 is on the minus strand). VCF-style: chrX-153955539-C-T. GRCh37 (hg19) VCF-style: chrX-153220990-C-T.
Other names: c.2860G>A, p.Val954Met (NM_001410705.1); short protein forms V954M.
Identifiers: ClinVar variation 2732499 (VCV002732499.4), dbSNP rs782075466, ClinGen allele CA10557261.

ClinVar aggregate classification (germline): Conflicting classifications of pathogenicity. Review status: criteria provided, conflicting classifications (1 of 4 stars). 2 submissions from 2 submitters: Uncertain significance (1); Likely benign (1). Last evaluated 2024-09-09.

Conditions:
Methylmalonic acidemia with homocystinuria, type cblX (MAHCX). Also called: INTELLECTUAL DEVELOPMENTAL DISORDER, X-LINKED 3. Identifiers: Orphanet 369962, MedGen C0796208, MONDO:0010657, OMIM 309541.

Allele frequency attached by ClinVar (database versions not stated): TOPMed below 0.00001; gnomAD exomes 0.00001; ExAC 0.00003.

Submissions (2):

Women's Health and Genetics/Laboratory Corporation of America, LabCorp
Classification: Uncertain significance. Last evaluated: 2024-09-09. Review status: criteria provided, single submitter. Criteria: LabCorp Variant Classification Summary - May 2015. Collection method: clinical testing. Allele origin: germline.
Comment: Variant summary: HCFC1 c.2860G>A (p.Val954Met) results in a conservative amino acid change in the encoded protein sequence. Four of five in-silico tools predict a benign effect of the variant on protein function. The variant allele was found at a frequency of 4.2e-05 in 142947 control chromosomes. The available data on variant occurrences in the general population are insufficient to allow any conclusion about variant significance. c.2860G>A has been reported in the literature in a hemizygous individual affected with clinical features of Methylmalonic Acidemia With Homocystinuria (Long_2019, He_2023). These data do not allow any conclusion about variant significance. To our knowledge, no experimental evidence demonstrating an impact on protein function has been reported. The following publications have been ascertained in the context of this evaluation (PMID: 37264743, 31139143). ClinVar contains an entry for this variant (Variation ID: 2732499). Based on the evidence outlined above, the variant was classified as uncertain significance.

Labcorp Genetics (formerly Invitae), Labcorp
Classification: Likely benign for Methylmalonic acidemia with homocystinuria, type cblX. Last evaluated: 2024-02-17. Review status: criteria provided, single submitter. Criteria: Invitae Variant Classification Sherloc (09022015). Collection method: clinical testing. Allele origin: germline.

Literature cited by the submitters: PubMed 31139143 (cited by Women's Health and Genetics/Laboratory Corporation of America, LabCorp); PubMed 37264743 (cited by Women's Health and Genetics/Laboratory Corporation of America, LabCorp).